The following is an entry in ClinVar:

NM_006892.4(DNMT3B):c.43G>A (p.Gly15Ser)

Gene: DNMT3B (DNA methyltransferase 3 beta; plus strand). Cytogenetic location: 20q11.21.
Variant type: single nucleotide variant.
Coding change: c.43G>A on transcript NM_006892.4 (MANE Select); coding-DNA position 43, G replaced by A.
Protein change: p.Gly15Ser; replaces glycine 15 with serine.
Molecular consequence: missense variant.
Genome position (GRCh38, 1-based): chr20:32,780,366, G>A. VCF-style: chr20-32780366-G-A. GRCh37 (hg19) VCF-style: chr20-31368172-G-A.
Other names: c.43G>A, p.Gly15Ser (NM_001207055.2, NM_001207056.2, NM_175848.2 and 1 more transcripts); c.79G>A, p.Gly27Ser (NM_175850.3); c.43G>A (NM_006892.3); short protein forms G15S, G27S.
Identifiers: ClinVar variation 1017462 (VCV001017462.5), dbSNP rs375171362, ClinGen allele CA313179682.
Genomic context (GRCh38, chr20:32,780,366, plus strand): 5'-CTTCTCCCACAGGAAAGCATGAAGGGAGACACCAGGCATCTCAATGGAGAGGAGGACGCC[G>A]GCGGGAGGGAAGACTCGATCCTCGTCAACGGGGCCTGCAGCGACCAGTCCTCCGACTCGC-3'
Protein context (NP_008823.1, residues 5-25): TRHLNGEEDA[Gly15Ser]GREDSILVNG

ClinVar aggregate classification (germline): Conflicting classifications of pathogenicity. Review status: criteria provided, conflicting classifications (1 of 4 stars). 2 submissions from 2 submitters: Uncertain significance (1); Likely benign (1). Last evaluated 2023-12-12.

Conditions:
Inborn genetic diseases. Identifiers: MedGen C0950123, MeSH D030342.
Centromeric instability of chromosomes 1,9 and 16 and immunodeficiency (ICF1). Also called: Immunodeficiency-centromeric instability-facial anomalies; IMMUNE DEFICIENCY, VARIABLE, WITH CENTROMERIC INSTABILITY OF CHROMOSOMES 1, 9, AND 16; IMMUNODEFICIENCY SYNDROME, VARIABLE; CENTROMERIC INSTABILITY, IMMUNODEFICIENCY SYNDROME. Identifiers: Orphanet 2268, MedGen C0398788, MONDO:0000133.

Allele frequency attached by ClinVar (database versions not stated): gnomAD exomes below 0.00001 and 0.00001; gnomAD 0.00001.
gnomAD v4.1: 11 of 1,613,914 alleles (0.00068%); highest among the groups gnomAD compares: African/African-American, 0.0027%; no homozygotes.

Submissions (2):

Ambry Genetics
Classification: Likely benign for Inborn genetic diseases. Last evaluated: 2023-12-12. Review status: criteria provided, single submitter. Criteria: Ambry Variant Classification Scheme 2023. Collection method: clinical testing. Allele origin: germline.

Labcorp Genetics (formerly Invitae), Labcorp
Classification: Uncertain significance for Centromeric instability of chromosomes 1,9 and 16 and immunodeficiency. Last evaluated: 2023-12-06. Review status: criteria provided, single submitter. Criteria: Invitae Variant Classification Sherloc (09022015). Collection method: clinical testing. Allele origin: germline.
Comment: This sequence change replaces glycine, which is neutral and non-polar, with serine, which is neutral and polar, at codon 15 of the DNMT3B protein (p.Gly15Ser). This variant is present in population databases (rs375171362, gnomAD 0.003%). This variant has not been reported in the literature in individuals affected with DNMT3B-related conditions. ClinVar contains an entry for this variant (Variation ID: 1017462). Algorithms developed to predict the effect of missense changes on protein structure and function output the following: SIFT: "Not Available"; PolyPhen-2: "Benign"; Align-GVGD: "Not Available". The serine amino acid residue is found in multiple mammalian species, which suggests that this missense change does not adversely affect protein function. In summary, the available evidence is currently insufficient to determine the role of this variant in disease. Therefore, it has been classified as a Variant of Uncertain Significance.